The following is an entry in ClinVar:

ClinVar aggregate classification (germline): Uncertain significance (1 of 4 stars; one submission).

Conditions:
Intellectual developmental disorder with seizures and language delay (IDDSELD). Identifiers: MedGen C5436574, MONDO:0033559, OMIM 619000.

gnomAD v4.1: 3 of 1,550,200 alleles (0.00019%); highest among the groups gnomAD compares: Non-Finnish European, 0.00026%; no homozygotes.

Submission:

Laboratorio de Genetica e Diagnostico Molecular, Hospital Israelita Albert Einstein
Classification: Uncertain significance for Intellectual developmental disorder with seizures and language delay. Last evaluated: 2022-08-19. Review status: criteria provided, single submitter. Criteria: ACMG Guidelines, 2015. Collection method: clinical testing. Allele origin: germline. Affected: yes.
Comment: ACMG classification criteria: PM2 moderate

NM_001353345.2(SETD1B):c.600G>C (p.Gln200His)

Gene: SETD1B (SET domain containing 1B, histone lysine methyltransferase; plus strand). Cytogenetic location: 12q24.31.
Variant type: single nucleotide variant.
Coding change: c.600G>C on transcript NM_001353345.2 (MANE Select); coding-DNA position 600, G replaced by C.
Protein change: p.Gln200His; replaces glutamine 200 with histidine.
Molecular consequence: missense variant.
Genome position (GRCh38, 1-based): chr12:121,808,263, G>C. VCF-style: chr12-121808263-G-C. GRCh37 (hg19) VCF-style: chr12-122246169-G-C.
Other names: short protein forms Q200H.
Identifiers: ClinVar variation 4076404 (VCV004076404.1).